The following is an entry in ClinVar:

ClinVar aggregate classification (germline): Uncertain significance (1 of 4 stars; one submission).

Submission:

Ambry Genetics
Classification: Uncertain significance. Last evaluated: 2022-03-09. Review status: criteria provided, single submitter. Criteria: Ambry Variant Classification Scheme 2023. Collection method: clinical testing. Allele origin: germline.
Comment: The p.K125N variant (also known as c.375G>T), located in coding exon 2 of the MYLK2 gene, results from a G to T substitution at nucleotide position 375. The lysine at codon 125 is replaced by asparagine, an amino acid with similar properties. This amino acid position is conserved. In addition, this alteration is predicted to be tolerated by in silico analysis. Since supporting evidence is limited at this time, the clinical significance of this alteration remains unclear.

NM_033118.4(MYLK2):c.375G>T (p.Lys125Asn)

Gene: MYLK2 (myosin light chain kinase 2; plus strand). Cytogenetic location: 20q11.21.
Variant type: single nucleotide variant.
Coding change: c.375G>T on transcript NM_033118.4 (MANE Select); coding-DNA position 375, G replaced by T.
Protein change: p.Lys125Asn; replaces lysine 125 with asparagine.
Molecular consequence: missense variant.
Genome position (GRCh38, 1-based): chr20:31,820,448, G>T. VCF-style: chr20-31820448-G-T. GRCh37 (hg19) VCF-style: chr20-30408251-G-T.
Other names: short protein forms K125N.
Identifiers: ClinVar variation 1734660 (VCV001734660.2), dbSNP rs1244365771, ClinGen allele CA408525471.